The following is an entry in ClinVar:

NM_005876.5(SPEG):c.6391T>C (p.Phe2131Leu)

Genes: ASIC4-AS1 (ASIC4 antisense RNA 1; minus strand), SPEG (striated muscle enriched protein kinase; plus strand). Cytogenetic location: 2q35.
Variant type: single nucleotide variant.
Coding change: c.6391T>C on transcript NM_005876.5 (MANE Select); coding-DNA position 6391, T replaced by C.
Protein change: p.Phe2131Leu; replaces phenylalanine 2131 with leucine.
Molecular consequence: missense variant.
Genome position (GRCh38, 1-based): chr2:219,483,854, T>C. VCF-style: chr2-219483854-T-C. GRCh37 (hg19) VCF-style: chr2-220348576-T-C.
Other names: short protein forms F2131L.
Identifiers: ClinVar variation 1693387 (VCV001693387.2), dbSNP rs1206314954, ClinGen allele CA350697701.
Genomic context (GRCh38, chr2:219,483,854, plus strand): 5'-GAGGCAGCGCCCCACCACCAGCCCCCACTCGAGAACCGGGGCCTGCAAAAGAGCAGCAGC[T>C]TCTCCCAGGGTGAGGCGGAGCCCCGGGGCCGGCACCGCCGAGCGGGGGCGCCCCTCGAGA-3'
Protein context (NP_005867.3, residues 2121-2141): ENRGLQKSSS[Phe2131Leu]SQGEAEPRGR

ClinVar aggregate classification (germline): Uncertain significance (1 of 4 stars; one submission).

Allele frequency attached by ClinVar (database versions not stated): gnomAD exomes below 0.00001 and 0.00001; TOPMed below 0.00001; gnomAD 0.00001.
gnomAD v4.1: 12 of 1,592,880 alleles (0.00075%); highest among the groups gnomAD compares: African/African-American, 0.0013%; no homozygotes.

Submission:

GeneDx
Classification: Uncertain significance. Last evaluated: 2022-01-04. Review status: criteria provided, single submitter. Criteria: GeneDx Variant Classification Process June 2021. Collection method: clinical testing. Allele origin: germline. Affected: yes.
Comment: Not observed at significant frequency in large population cohorts (gnomAD); In silico analysis supports that this missense variant has a deleterious effect on protein structure/function; Has not been previously published as pathogenic or benign to our knowledge